The following is an entry in ClinVar:

NM_005760.3(CEBPZ):c.2371C>T (p.His791Tyr)

Genes: CEBPZ (CCAAT enhancer binding protein zeta; minus strand), CEBPZOS (CEBPZ opposite strand; plus strand). Cytogenetic location: 2p22.2.
Variant type: single nucleotide variant.
Coding change: c.2371C>T on transcript NM_005760.3 (MANE Select); coding-DNA position 2371, C replaced by T.
Protein change: p.His791Tyr; replaces histidine 791 with tyrosine.
Molecular consequence: missense variant. On other transcripts: non-coding transcript variant (1).
Genome position (GRCh38, 1-based): chr2:37,216,149, G>A on the plus strand (C>T on the coding strand, the complement: CEBPZ is on the minus strand). VCF-style: chr2-37216149-G-A. GRCh37 (hg19) VCF-style: chr2-37443292-G-A.
Other names: short protein forms H791Y.
Identifiers: ClinVar variation 4829985 (VCV004829985.1).

ClinVar aggregate classification (germline): Uncertain significance (1 of 4 stars; one submission).

gnomAD v4.1: 10 of 1,610,070 alleles (0.00062%); highest among the groups gnomAD compares: Non-Finnish European, 0.00085%; no homozygotes.

Submission:

Ambry Genetics
Classification: Uncertain significance. Last evaluated: 2026-02-26. Review status: criteria provided, single submitter. Criteria: Ambry Variant Classification Scheme 2023. Collection method: clinical testing. Allele origin: germline.
Comment: The c.2371C>T (p.H791Y) alteration is located in exon 8 (coding exon 8) of the CEBPZ gene. This alteration results from a C to T substitution at nucleotide position 2371, causing the histidine (H) at amino acid position 791 to be replaced by a tyrosine (Y). Based on data from gnomAD, the T allele has an overall frequency of 0.002% (5/281878) total alleles studied. The highest observed frequency was 0.004% (5/128768) of European (non-Finnish) alleles. Based on insufficient or conflicting evidence, the clinical significance of this alteration remains unclear.